The following is an entry in ClinVar:

ClinVar aggregate classification (germline): Uncertain significance. Review status: criteria provided, multiple submitters, no conflicts (2 of 4 stars). 2 submissions from 2 submitters: Uncertain significance (2). Last evaluated 2025-04-28.

Conditions:
Inborn genetic diseases. Identifiers: MedGen C0950123, MeSH D030342.
ITSN1-related disorder. Also called: ITSN1-related condition.

Allele frequency attached by ClinVar (database versions not stated): gnomAD exomes below 0.00001; TOPMed below 0.00001; ExAC 0.00001.
gnomAD v4.1: 4 of 1,614,116 alleles (0.00025%); highest among the groups gnomAD compares: East Asian, 0.0067%; no homozygotes.

Submissions (2):

Ambry Genetics
Classification: Uncertain significance for Inborn genetic diseases. Last evaluated: 2025-04-28. Review status: criteria provided, single submitter. Criteria: Ambry Variant Classification Scheme 2023. Collection method: clinical testing. Allele origin: germline.

PreventionGenetics, part of Exact Sciences
Classification: Uncertain significance for ITSN1-related condition. Last evaluated: 2023-08-30. Review status: criteria provided, single submitter. Criteria: ACMG Guidelines, 2015. Collection method: clinical testing. Allele origin: germline.
Comment: The ITSN1 c.5114C>T variant is predicted to result in the amino acid substitution p.Pro1705Leu. To our knowledge, this variant has not been reported in the literature. This variant is reported in 0.011% of alleles in individuals of East Asian descent in gnomAD. At this time, the clinical significance of this variant is uncertain due to the absence of conclusive functional and genetic evidence.

NM_003024.3(ITSN1):c.5114C>T (p.Pro1705Leu)

Gene: ITSN1 (intersectin 1; plus strand). Cytogenetic location: 21q22.11.
Variant type: single nucleotide variant.
Coding change: c.5114C>T on transcript NM_003024.3 (MANE Select); coding-DNA position 5114, C replaced by T.
Protein change: p.Pro1705Leu; replaces proline 1705 with leucine.
Molecular consequence: missense variant.
Genome position (GRCh38, 1-based): chr21:33,888,248, C>T. VCF-style: chr21-33888248-C-T. GRCh37 (hg19) VCF-style: chr21-35260552-C-T.
Other names: c.5099C>T, p.Pro1700Leu (NM_001331010.2); short protein forms P1700L, P1705L.
Identifiers: ClinVar variation 2630715 (VCV002630715.2), dbSNP rs769542325, ClinGen allele CA10012630.